The following is an entry in ClinVar:

NM_206933.4(USH2A):c.11824dup (p.Val3942fs)

Gene: USH2A (usherin; minus strand). Cytogenetic location: 1q41.
Variant type: Duplication.
Coding change: c.11824dup on transcript NM_206933.4 (MANE Select); coding-DNA position 11824, one base duplicated (G; older notation c.11824dupG).
Protein change: p.Val3942fs; shifts the reading frame from valine 3942.
Molecular consequence: frameshift variant.
Genome position (GRCh38, 1-based): chr1:215,728,272, C duplicated on the plus strand (G on the coding strand, the reverse complement: USH2A is on the minus strand); the first of 3 consecutive C bases (chr1:215,728,272-215,728,274); duplicating any one gives the same sequence. VCF-style (leftmost placement, unchanged base first): chr1-215728271-A-AC. GRCh37 (hg19) VCF-style: chr1-215901613-A-AC.
Other names: short protein forms V3942fs.
Identifiers: ClinVar variation 854044 (VCV000854044.8), dbSNP rs1659891000, ClinGen allele CA916082120.

ClinVar aggregate classification (germline): Pathogenic (1 of 4 stars; one submission).

Submission:

Labcorp Genetics (formerly Invitae), Labcorp
Classification: Pathogenic. Last evaluated: 2025-04-28. Review status: criteria provided, single submitter. Criteria: Invitae Variant Classification Sherloc (09022015). Collection method: clinical testing. Allele origin: germline.
Comment: This sequence change creates a premature translational stop signal (p.Val3942Glyfs*5) in the USH2A gene. It is expected to result in an absent or disrupted protein product. Loss-of-function variants in USH2A are known to be pathogenic (PMID: 10729113, 10909849, 20507924, 25649381). This variant is not present in population databases (gnomAD no frequency). This variant has not been reported in the literature in individuals affected with USH2A-related conditions. ClinVar contains an entry for this variant (Variation ID: 854044). For these reasons, this variant has been classified as Pathogenic.

Literature cited by the submitters: PubMed 10729113; PubMed 10909849; PubMed 20507924; PubMed 25649381.